The following is an entry in ClinVar:

NM_002500.5(NEUROD1):c.784A>G (p.Thr262Ala)

Gene: NEUROD1 (neuronal differentiation 1; minus strand). Cytogenetic location: 2q31.3.
Variant type: single nucleotide variant.
Coding change: c.784A>G on transcript NM_002500.5 (MANE Select); coding-DNA position 784, A replaced by G.
Protein change: p.Thr262Ala; replaces threonine 262 with alanine.
Molecular consequence: missense variant.
Genome position (GRCh38, 1-based): chr2:181,678,077, T>C on the plus strand (A>G on the coding strand, the complement: NEUROD1 is on the minus strand). VCF-style: chr2-181678077-T-C. GRCh37 (hg19) VCF-style: chr2-182542804-T-C.
Other names: short protein forms T262A.
Identifiers: ClinVar variation 1375641 (VCV001375641.6), dbSNP rs773096753, ClinGen allele CA2011060.
Genomic context (GRCh38, chr2:181,678,077, plus strand): 5'-TGCCATTGATGCTGAGCGGCGGGCTGAGGGGTCCATCAAAGGAAGGGCTGGTGCAATCAG[T>C]CAGAGGGCTTTCAAAGAAGGGCTCCAGCGCTGCGCTGTAGGCGTGCGGCGGAGGCTTAAC-3'
Protein context (NP_002491.3, residues 252-272): ALEPFFESPL[Thr262Ala]DCTSPSFDGP

ClinVar aggregate classification (germline): Uncertain significance (1 of 4 stars; one submission).

Allele frequency attached by ClinVar (database versions not stated): ExAC 0.00001; gnomAD exomes 0.00001.
gnomAD v4.1: 5 of 1,614,076 alleles (0.00031%); highest among the groups gnomAD compares: South Asian, 0.0033%; no homozygotes.

Submission:

Labcorp Genetics (formerly Invitae), Labcorp
Classification: Uncertain significance. Last evaluated: 2021-08-19. Review status: criteria provided, single submitter. Criteria: Invitae Variant Classification Sherloc (09022015). Collection method: clinical testing. Allele origin: germline.
Comment: Algorithms developed to predict the effect of missense changes on protein structure and function (SIFT, PolyPhen-2, Align-GVGD) all suggest that this variant is likely to be tolerated. In summary, the available evidence is currently insufficient to determine the role of this variant in disease. Therefore, it has been classified as a Variant of Uncertain Significance. This variant has not been reported in the literature in individuals affected with NEUROD1-related conditions. The frequency data for this variant in the population databases is considered unreliable, as metrics indicate poor data quality at this position in the ExAC database. This sequence change replaces threonine with alanine at codon 262 of the NEUROD1 protein (p.Thr262Ala). The threonine residue is highly conserved and there is a small physicochemical difference between threonine and alanine.